The following is an entry in ClinVar:

ClinVar aggregate classification (germline): Conflicting classifications of pathogenicity. Review status: criteria provided, conflicting classifications (1 of 4 stars). 2 submissions from 2 submitters: Uncertain significance (1); Likely benign (1). Last evaluated 2025-09-08.

Conditions:
Hereditary cancer-predisposing syndrome. Also called: Tumor predisposition; Neoplastic Syndromes, Hereditary; Hereditary Cancer Syndrome; Hereditary neoplastic syndrome. Identifiers: Orphanet 140162, MedGen C0027672, MeSH D009386, MONDO:0015356.
POLD1-related polyposis and colorectal cancer syndrome (CRCS10). Also called: Colorectal cancer 10; COLORECTAL CANCER, SUSCEPTIBILITY TO, ON CHROMOSOME 19q; Colorectal cancer, susceptibility to, 10. Identifiers: Orphanet 220460, MedGen C2675481, MONDO:0012953, OMIM 612591.

Submissions (2):

Ambry Genetics
Classification: Likely benign for Hereditary cancer-predisposing syndrome. Last evaluated: 2025-09-08. Review status: criteria provided, single submitter. Criteria: Ambry Variant Classification Scheme 2023. Collection method: clinical testing. Allele origin: germline.

Labcorp Genetics (formerly Invitae), Labcorp
Classification: Uncertain significance for POLD1-related polyposis and colorectal cancer syndrome. Last evaluated: 2024-05-05. Review status: criteria provided, single submitter. Criteria: Invitae Variant Classification Sherloc (09022015). Collection method: clinical testing. Allele origin: germline.
Comment: This sequence change replaces glutamic acid, which is acidic and polar, with glutamine, which is neutral and polar, at codon 905 of the POLD1 protein (p.Glu905Gln). This variant is not present in population databases (gnomAD no frequency). This variant has not been reported in the literature in individuals affected with POLD1-related conditions. Advanced modeling of protein sequence and biophysical properties (such as structural, functional, and spatial information, amino acid conservation, physicochemical variation, residue mobility, and thermodynamic stability) performed at Invitae indicates that this missense variant is not expected to disrupt POLD1 protein function with a negative predictive value of 80%. In summary, the available evidence is currently insufficient to determine the role of this variant in disease. Therefore, it has been classified as a Variant of Uncertain Significance.

NM_002691.4(POLD1):c.2713G>C (p.Glu905Gln)

Gene: POLD1 (DNA polymerase delta 1, catalytic subunit; plus strand). Cytogenetic location: 19q13.33.
Variant type: single nucleotide variant.
Coding change: c.2713G>C on transcript NM_002691.4 (MANE Select); coding-DNA position 2713, G replaced by C.
Protein change: p.Glu905Gln; replaces glutamic acid 905 with glutamine.
Molecular consequence: missense variant. On other transcripts: non-coding transcript variant (1).
Genome position (GRCh38, 1-based): chr19:50,415,586, G>C. VCF-style: chr19-50415586-G-C. GRCh37 (hg19) VCF-style: chr19-50918843-G-C.
Other names: c.2713G>C, p.Glu905Gln (NM_001256849.1); c.2791G>C, p.Glu931Gln (NM_001308632.1); c.2713G>C (NM_002691.2); short protein forms E931Q, E905Q.
Identifiers: ClinVar variation 3019875 (VCV003019875.4), dbSNP rs759530743, ClinGen allele CA406985732.